The following is an entry in ClinVar:

ClinVar aggregate classification (germline): Uncertain significance (1 of 4 stars; one submission).

Allele frequency attached by ClinVar (database versions not stated): gnomAD 0.00001; gnomAD exomes 0.00006; ExAC 0.00008.
gnomAD v4.1: 16 of 1,614,044 alleles (0.00099%); highest among the groups gnomAD compares: Admixed American, 0.025%; no homozygotes.

Submission:

Labcorp Genetics (formerly Invitae), Labcorp
Classification: Uncertain significance. Last evaluated: 2023-07-25. Review status: criteria provided, single submitter. Criteria: Invitae Variant Classification Sherloc (09022015). Collection method: clinical testing. Allele origin: germline.
Comment: This sequence change replaces valine, which is neutral and non-polar, with methionine, which is neutral and non-polar, at codon 126 of the KCNK4 protein (p.Val126Met). This variant is present in population databases (rs770320538, gnomAD 0.04%), and has an allele count higher than expected for a pathogenic variant. This variant has not been reported in the literature in individuals affected with KCNK4-related conditions. ClinVar contains an entry for this variant (Variation ID: 1450292). An algorithm developed to predict the effect of missense changes on protein structure and function (PolyPhen-2) suggests that this variant is likely to be disruptive. In summary, the available evidence is currently insufficient to determine the role of this variant in disease. Therefore, it has been classified as a Variant of Uncertain Significance.

NM_033310.3(KCNK4):c.376G>A (p.Val126Met)

Genes: KCNK4 (potassium two pore domain channel subfamily K member 4; plus strand), KCNK4-CATSPERZ (KCNK4-CATSPERZ readthrough (NMD candidate); plus strand). Cytogenetic location: 11q13.1.
Variant type: single nucleotide variant.
Coding change: c.376G>A on transcript NM_033310.3 (MANE Select); coding-DNA position 376, G replaced by A.
Protein change: p.Val126Met; replaces valine 126 with methionine.
Molecular consequence: missense variant. On other transcripts: non-coding transcript variant (3).
Genome position (GRCh38, 1-based): chr11:64,297,181, G>A. VCF-style: chr11-64297181-G-A. GRCh37 (hg19) VCF-style: chr11-64064653-G-A.
Other names: c.376G>A, p.Val126Met (NM_001317090.2); short protein forms V126M.
Identifiers: ClinVar variation 1450292 (VCV001450292.6), dbSNP rs770320538, ClinGen allele CA6073034.